The following is an entry in ClinVar:

NM_002299.4(LCT):c.677T>C (p.Ile226Thr)

Gene: LCT (lactase; minus strand). Cytogenetic location: 2q21.3.
Variant type: single nucleotide variant.
Coding change: c.677T>C on transcript NM_002299.4 (MANE Select); coding-DNA position 677, T replaced by C.
Protein change: p.Ile226Thr; replaces isoleucine 226 with threonine.
Molecular consequence: missense variant.
Genome position (GRCh38, 1-based): chr2:135,833,154, A>G on the plus strand (T>C on the coding strand, the complement: LCT is on the minus strand). VCF-style: chr2-135833154-A-G. GRCh37 (hg19) VCF-style: chr2-136590724-A-G.
Other names: short protein forms I226T.
Identifiers: ClinVar variation 893286 (VCV000893286.9), dbSNP rs747805112, ClinGen allele CA1888571.
Genomic context (GRCh38, chr2:135,833,154, plus strand): 5'-TTTTGGGCTGCTGTCACCTGGGCAAGCGCAGATATGGGTGGTTCTAGCAGGAGCTCCGGG[A>G]TATCTTCAGCTCGCAGGACAACAGAGAGTTTTCCGCCTGAAACCAACCAGAGACACGAAC-3'
Protein context (NP_002290.2, residues 216-236): KLSVVLRAED[Ile226Thr]PELLLEPPIS

ClinVar aggregate classification (germline): Uncertain significance. Review status: criteria provided, multiple submitters, no conflicts (2 of 4 stars). 4 submissions from 4 submitters: Uncertain significance (4). Last evaluated 2025-07-15.

Conditions:
Inborn genetic diseases. Identifiers: MedGen C0950123, MeSH D030342.
Congenital lactase deficiency. Also called: DISACCHARIDE INTOLERANCE II; ALACTASIA, CONGENITAL. Identifiers: Orphanet 53690, MedGen C0268179, MONDO:0009115, OMIM 223000.

Allele frequency attached by ClinVar (database versions not stated): gnomAD 0.00001 and 0.00003; TOPMed 0.00001; gnomAD exomes 0.00007 and 0.00013; ExAC 0.00015.
gnomAD v4.1: 109 of 1,613,934 alleles (0.0068%); highest among the groups gnomAD compares: South Asian, 0.11%; 1 homozygote.

Submissions (4):

Ambry Genetics
Classification: Uncertain significance for Inborn genetic diseases. Last evaluated: 2025-07-15. Review status: criteria provided, single submitter. Criteria: Ambry Variant Classification Scheme 2023. Collection method: clinical testing. Allele origin: germline.

Labcorp Genetics (formerly Invitae), Labcorp
Classification: Uncertain significance. Last evaluated: 2022-07-31. Review status: criteria provided, single submitter. Criteria: Invitae Variant Classification Sherloc (09022015). Collection method: clinical testing. Allele origin: germline.
Comment: ClinVar contains an entry for this variant (Variation ID: 893286). In summary, the available evidence is currently insufficient to determine the role of this variant in disease. Therefore, it has been classified as a Variant of Uncertain Significance. Algorithms developed to predict the effect of missense changes on protein structure and function are either unavailable or do not agree on the potential impact of this missense change (SIFT: "Not Available"; PolyPhen-2: "Benign"; Align-GVGD: "Not Available"). This variant has not been reported in the literature in individuals affected with LCT-related conditions. This variant is present in population databases (rs747805112, gnomAD 0.1%). This sequence change replaces isoleucine, which is neutral and non-polar, with threonine, which is neutral and polar, at codon 226 of the LCT protein (p.Ile226Thr).

Women's Health and Genetics/Laboratory Corporation of America, LabCorp
Classification: Uncertain significance. Last evaluated: 2020-01-09. Review status: criteria provided, single submitter. Criteria: LabCorp Variant Classification Summary - May 2015. Collection method: clinical testing. Allele origin: germline.
Comment: Variant summary: LCT c.677T>C (p.Ile226Thr) results in a non-conservative amino acid change in the encoded protein sequence. Three of five in-silico tools predict a benign effect of the variant on protein function. The variant allele was found at a frequency of 0.00013 in 251492 control chromosomes. To our knowledge, no occurrence of c.677T>C in individuals affected with Congenital lactase deficiency and no experimental evidence demonstrating its impact on protein function have been reported. No clinical diagnostic laboratories have submitted clinical-significance assessments for this variant to ClinVar after 2014. Based on the evidence outlined above, the variant was classified as uncertain significance.

Illumina Laboratory Services, Illumina
Classification: Uncertain significance for Congenital lactase deficiency. Last evaluated: 2018-01-13. Review status: criteria provided, single submitter. Criteria: ICSL Variant Classification Criteria 13 December 2019. Collection method: clinical testing. Allele origin: germline.